The following is an entry in ClinVar:

NM_001376.5(DYNC1H1):c.7600A>G (p.Ile2534Val)

Gene: DYNC1H1 (dynein cytoplasmic 1 heavy chain 1; plus strand). Cytogenetic location: 14q32.31.
Variant type: single nucleotide variant.
Coding change: c.7600A>G on transcript NM_001376.5 (MANE Select); coding-DNA position 7600, A replaced by G.
Protein change: p.Ile2534Val; replaces isoleucine 2534 with valine.
Molecular consequence: missense variant.
Genome position (GRCh38, 1-based): chr14:102,016,475, A>G. VCF-style: chr14-102016475-A-G. GRCh37 (hg19) VCF-style: chr14-102482812-A-G.
Other names: short protein forms I2534V.
Identifiers: ClinVar variation 1418744 (VCV001418744.6), dbSNP rs1778579601, ClinGen allele CA391002485.

ClinVar aggregate classification (germline): Uncertain significance (1 of 4 stars; one submission).

Conditions:
Charcot-Marie-Tooth disease axonal type 2O. Also called: Charcot-Marie-Tooth Neuropathy Type 2O; CHARCOT-MARIE-TOOTH NEUROPATHY, AXONAL, TYPE 2O; CHARCOT-MARIE-TOOTH DISEASE, AXONAL, AUTOSOMAL DOMINANT, TYPE 2O; Charcot-Marie-Tooth disease, axonal, type 20. Identifiers: Orphanet 284232, MedGen C3280220, MONDO:0013644, OMIM 614228.

Allele frequency attached by ClinVar (database versions not stated): TOPMed below 0.00001; gnomAD exomes 0.00001.
gnomAD v4.1: 9 of 1,613,972 alleles (0.00056%); highest among the groups gnomAD compares: African/African-American, 0.0013%; no homozygotes.

Submission:

Labcorp Genetics (formerly Invitae), Labcorp
Classification: Uncertain significance for Charcot-Marie-Tooth disease axonal type 2O. Last evaluated: 2025-04-03. Review status: criteria provided, single submitter. Criteria: Invitae Variant Classification Sherloc (09022015). Collection method: clinical testing. Allele origin: germline.
Comment: This sequence change replaces isoleucine, which is neutral and non-polar, with valine, which is neutral and non-polar, at codon 2534 of the DYNC1H1 protein (p.Ile2534Val). This variant is not present in population databases (gnomAD no frequency). This variant has not been reported in the literature in individuals affected with DYNC1H1-related conditions. ClinVar contains an entry for this variant (Variation ID: 1418744). Invitae Evidence Modeling of protein sequence and biophysical properties (such as structural, functional, and spatial information, amino acid conservation, physicochemical variation, residue mobility, and thermodynamic stability) indicates that this missense variant is not expected to disrupt DYNC1H1 protein function with a negative predictive value of 95%. In summary, the available evidence is currently insufficient to determine the role of this variant in disease. Therefore, it has been classified as a Variant of Uncertain Significance.